The following is an entry in ClinVar:

ClinVar aggregate classification (germline): Conflicting classifications of pathogenicity. Review status: criteria provided, conflicting classifications (1 of 4 stars). 5 submissions from 5 submitters: Uncertain significance (4); Likely benign (1). Last evaluated 2024-12-23.

Conditions:
Cystic fibrosis (CF). Also called: MUCOVISCIDOSIS. Identifiers: Orphanet 586, MedGen C0010674, MONDO:0009061, OMIM 219700. Disease mechanism: loss of function.
Bronchiectasis with or without elevated sweat chloride 1 (BESC1). Also called: Cystic Fibrosis-Like Syndrome. Identifiers: Orphanet 60033, MedGen C2749757, MONDO:0008887, OMIM 211400.
Hereditary pancreatitis (PCTT). Also called: Hereditary chronic pancreatitis; PRSS1-Related Hereditary Pancreatitis. Identifiers: Orphanet 676, MedGen C0238339, MONDO:0008185, OMIM 167800.
Congenital bilateral aplasia of vas deferens from CFTR mutation (CBAVD). Identifiers: Orphanet 48, MedGen C0403814, MONDO:0010178, OMIM 277180. Disease mechanism: loss of function.

Submissions (5):

Labcorp Genetics (formerly Invitae), Labcorp
Classification: Uncertain significance for Cystic fibrosis. Last evaluated: 2024-12-23. Review status: criteria provided, single submitter. Criteria: Invitae Variant Classification Sherloc (09022015). Collection method: clinical testing. Allele origin: germline.
Comment: This sequence change replaces valine, which is neutral and non-polar, with isoleucine, which is neutral and non-polar, at codon 855 of the CFTR protein (p.Val855Ile). Information on the frequency of this variant in the gnomAD database is not available, as this variant may be reported differently in the database. This missense change has been observed in individual(s) with CFTR-related conditions (PMID: 10571949, 17003641, 19318035, 30938940). ClinVar contains an entry for this variant (Variation ID: 647129). Experimental studies and prediction algorithms are not available or were not evaluated, and the functional significance of this variant is currently unknown. In summary, the available evidence is currently insufficient to determine the role of this variant in disease. Therefore, it has been classified as a Variant of Uncertain Significance.

Ambry Genetics
Classification: Uncertain significance for Cystic fibrosis. Last evaluated: 2024-08-23. Review status: criteria provided, single submitter. Criteria: Ambry Variant Classification Scheme 2023. Collection method: clinical testing. Allele origin: germline.
Comment: The c.2562_2563delTGinsGA variant (also known as p.V855I), located in coding exon 15 of the CFTR gene, results from an in-frame deletion of TG and insertion of GA at nucleotide positions 2562 to 2563. This results in the substitution of the valine residue for an isoleucine residue at codon 855, an amino acid with highly similar properties. This amino acid position is not well conserved in available vertebrate species, and isoleucine is the reference amino acid in other vertebrate species. In addition, the in silico prediction for this alteration is inconclusive. Since supporting evidence is limited at this time, the clinical significance of this alteration remains unclear.

Johns Hopkins Genomics, Johns Hopkins University
Classification: Likely benign for Cystic fibrosis. Last evaluated: 2022-01-21. Review status: criteria provided, single submitter. Criteria: ACMG Guidelines, 2015. Collection method: clinical testing. Allele origin: germline.

Fulgent Genetics
Classification: Uncertain significance for Hereditary pancreatitis; Bronchiectasis with or without elevated sweat chloride 1; Cystic fibrosis; Congenital bilateral aplasia of vas deferens from CFTR mutation. Last evaluated: 2021-11-01. Review status: criteria provided, single submitter. Criteria: ACMG Guidelines, 2015. Collection method: clinical testing. Allele origin: unknown.

Mayo Clinic Laboratories, Mayo Clinic
Classification: Uncertain significance. Last evaluated: 2021-09-20. Review status: criteria provided, single submitter. Criteria: ACMG Guidelines, 2015. Collection method: clinical testing. Allele origin: germline.

Literature cited by the submitters: PubMed 10571949 (cited by Labcorp Genetics (formerly Invitae), Labcorp and Johns Hopkins Genomics, Johns Hopkins University); PubMed 17003641 (cited by Labcorp Genetics (formerly Invitae), Labcorp); PubMed 19318035 (cited by Labcorp Genetics (formerly Invitae), Labcorp and Johns Hopkins Genomics, Johns Hopkins University); PubMed 30938940 (cited by Labcorp Genetics (formerly Invitae), Labcorp and Johns Hopkins Genomics, Johns Hopkins University); PubMed 22664493 (cited by Johns Hopkins Genomics, Johns Hopkins University); PubMed 33572515 (cited by Johns Hopkins Genomics, Johns Hopkins University).

NM_000492.4(CFTR):c.2562_2563delinsGA (p.Val855Ile)

Gene: CFTR (CF transmembrane conductance regulator; plus strand). Cytogenetic location: 7q31.2.
Variant type: Indel.
Coding change: c.2562_2563delinsGA on transcript NM_000492.4 (MANE Select); coding-DNA positions 2562 to 2563, TG replaced by GA.
Protein change: p.Val855Ile; replaces valine 855 with isoleucine.
Molecular consequence: missense variant.
Genome position (GRCh38, 1-based): chr7:117,595,001-117,595,002, TG replaced by GA. VCF-style: chr7-117595001-TG-GA. GRCh37 (hg19) VCF-style: chr7-117235055-TG-GA.
Other names: p.Val855Ile; c.2562_2563delTGinsGA (NM_000492.3); short protein forms V855I.
Identifiers: ClinVar variation 647129 (VCV000647129.15), dbSNP rs1584813846, ClinGen allele CA915945430.